The following is an entry in ClinVar:

ClinVar aggregate classification (germline): Uncertain significance (1 of 4 stars; one submission).

Conditions:
Inborn genetic diseases. Identifiers: MedGen C0950123, MeSH D030342.

Submission:

Ambry Genetics
Classification: Uncertain significance for Inborn genetic diseases. Last evaluated: 2025-07-31. Review status: criteria provided, single submitter. Criteria: Ambry Variant Classification Scheme 2023. Collection method: clinical testing. Allele origin: germline.
Comment: The p.G1461V variant (also known as c.4382G>T), located in coding exon 1 of the SAMD9L gene, results from a G to T substitution at nucleotide position 4382. The glycine at codon 1461 is replaced by valine, an amino acid with dissimilar properties. This amino acid position is conserved. In addition, this alteration is predicted to be tolerated by in silico analysis. Based on the available evidence, the clinical significance of this variant remains unclear.

NM_152703.5(SAMD9L):c.4382G>T (p.Gly1461Val)

Gene: SAMD9L (sterile alpha motif domain containing 9 like; minus strand). Cytogenetic location: 7q21.2.
Variant type: single nucleotide variant.
Coding change: c.4382G>T on transcript NM_152703.5 (MANE Select); coding-DNA position 4382, G replaced by T.
Protein change: p.Gly1461Val; replaces glycine 1461 with valine.
Molecular consequence: missense variant.
Genome position (GRCh38, 1-based): chr7:93,131,590, C>A on the plus strand (G>T on the coding strand, the complement: SAMD9L is on the minus strand). VCF-style: chr7-93131590-C-A. GRCh37 (hg19) VCF-style: chr7-92760903-C-A.
Other names: c.4382G>T, p.Gly1461Val (NM_001303496.3, NM_001303497.3, NM_001303498.3 and 5 more transcripts); short protein forms G1461V.
Identifiers: ClinVar variation 4159368 (VCV004159368.1).